The following is an entry in ClinVar:

NM_015386.3(COG4):c.254G>A (p.Gly85Asp)

Gene: COG4 (component of oligomeric golgi complex 4; minus strand). Cytogenetic location: 16q22.1.
Variant type: single nucleotide variant.
Coding change: c.254G>A on transcript NM_015386.3 (MANE Select); coding-DNA position 254, G replaced by A.
Protein change: p.Gly85Asp; replaces glycine 85 with aspartic acid.
Molecular consequence: missense variant. On other transcripts: 5 prime UTR variant (1), non-coding transcript variant (1).
Genome position (GRCh38, 1-based): chr16:70,519,649, C>T on the plus strand (G>A on the coding strand, the complement: COG4 is on the minus strand). VCF-style: chr16-70519649-C-T. GRCh37 (hg19) VCF-style: chr16-70553552-C-T.
Other names: c.242G>A, p.Gly81Asp (NM_001195139.2); c.-346G>A (NM_001365426.1); short protein forms G81D, G85D.
Identifiers: ClinVar variation 2635433 (VCV002635433.1), dbSNP rs2507555128, ClinGen allele CA396580164.

ClinVar aggregate classification (germline): Uncertain significance (1 of 4 stars; one submission).

Conditions:
COG4-related disorder. Also called: COG4-related condition.

Allele frequency attached by ClinVar (database versions not stated): gnomAD exomes below 0.00001.
gnomAD v4.1: 4 of 1,611,120 alleles (0.00025%); highest among the groups gnomAD compares: Non-Finnish European, 0.00034%; no homozygotes.

Submission:

PreventionGenetics, part of Exact Sciences
Classification: Uncertain significance for COG4-related condition. Last evaluated: 2022-10-31. Review status: criteria provided, single submitter. Criteria: ACMG Guidelines, 2015. Collection method: clinical testing. Allele origin: germline.
Comment: The COG4 c.254G>A variant is predicted to result in the amino acid substitution p.Gly85Asp. This variant was reported in three sisters with atypical femoral fracture who received long-term bisphosphonate treatment (referred to as chr16:g.70553552C>T in Table 2a, Roca-Ayats et al. 2018. DOI: 10.4321/S1889-836X2018000400002). This variant has not been reported in a large population database, indicating this variant is rare. At this time, the clinical significance of this variant is uncertain due to the absence of conclusive functional and genetic evidence.